The following is an entry in ClinVar:

NM_198407.2(GHSR):c.*1775G>A

Gene: GHSR (growth hormone secretagogue receptor; minus strand). Cytogenetic location: 3q26.31.
Variant type: single nucleotide variant.
Coding change: c.*1775G>A on transcript NM_198407.2 (MANE Select); 1775 bases downstream of the stop codon, G replaced by A.
Molecular consequence: 3 prime UTR variant.
Genome position (GRCh38, 1-based): chr3:172,443,386, C>T on the plus strand (G>A on the coding strand, the complement: GHSR is on the minus strand). VCF-style: chr3-172443386-C-T. GRCh37 (hg19) VCF-style: chr3-172161176-C-T.
Identifiers: ClinVar variation 901803 (VCV000901803.4), dbSNP rs190145519, ClinGen allele CA87780109.

ClinVar aggregate classification (germline): Likely benign (1 of 4 stars; one submission).

Conditions:
Short stature due to growth hormone secretagogue receptor deficiency (GHDP). Also called: Short stature due to GHSR deficiency. Identifiers: Orphanet 314811, MedGen C5887324, MONDO:0014403, OMIM 615925.

Allele frequency attached by ClinVar (database versions not stated): TOPMed 0.00087; 1000 Genomes Project 0.00100; gnomAD 0.00101 and 0.00106; 1000 Genomes Project 30x 0.00141.

Submission:

Illumina Laboratory Services, Illumina
Classification: Likely benign for Short stature due to growth hormone secretagogue receptor deficiency. Last evaluated: 2018-01-13. Review status: criteria provided, single submitter. Criteria: ICSL Variant Classification Criteria 13 December 2019. Collection method: clinical testing. Allele origin: germline.
Comment: This variant was observed in the ICSL laboratory as part of a predisposition screen in an ostensibly healthy population. It had not been previously curated by ICSL or reported in the Human Gene Mutation Database (HGMD: prior to June 1st, 2018), and was therefore a candidate for classification through an automated scoring system. Utilizing variant allele frequency, disease prevalence and penetrance estimates, and inheritance mode, an automated score was calculated to assess if this variant is too frequent to cause the disease. Based on the score and internal cut-off values, a variant classified as likely benign is not then subjected to further curation. The score for this variant resulted in a classification of likely benign for this disease.